The following is an entry in ClinVar:

ClinVar aggregate classification (germline): Uncertain significance (1 of 4 stars; one submission).

Allele frequency attached by ClinVar (database versions not stated): gnomAD exomes 0.00001.
gnomAD v4.1: 11 of 1,613,298 alleles (0.00068%); highest among the groups gnomAD compares: Non-Finnish European, 0.00093%; no homozygotes.

Submission:

Labcorp Genetics (formerly Invitae), Labcorp
Classification: Uncertain significance. Last evaluated: 2023-12-03. Review status: criteria provided, single submitter. Criteria: Invitae Variant Classification Sherloc (09022015). Collection method: clinical testing. Allele origin: germline.
Comment: This sequence change replaces arginine, which is basic and polar, with lysine, which is basic and polar, at codon 794 of the CACNA1D protein (p.Arg794Lys). This variant is not present in population databases (gnomAD no frequency). This variant has not been reported in the literature in individuals affected with CACNA1D-related conditions. Advanced modeling of protein sequence and biophysical properties (such as structural, functional, and spatial information, amino acid conservation, physicochemical variation, residue mobility, and thermodynamic stability) performed at Invitae indicates that this missense variant is not expected to disrupt CACNA1D protein function with a negative predictive value of 80%. In summary, the available evidence is currently insufficient to determine the role of this variant in disease. Therefore, it has been classified as a Variant of Uncertain Significance.

NM_001128840.3(CACNA1D):c.2321G>A (p.Arg774Lys)

Gene: CACNA1D (calcium voltage-gated channel subunit alpha1 D; plus strand). Cytogenetic location: 3p21.1.
Variant type: single nucleotide variant.
Coding change: c.2321G>A on transcript NM_001128840.3 (MANE Select); coding-DNA position 2321, G replaced by A.
Protein change: p.Arg774Lys; replaces arginine 774 with lysine.
Molecular consequence: missense variant.
Genome position (GRCh38, 1-based): chr3:53,730,541, G>A. VCF-style: chr3-53730541-G-A. GRCh37 (hg19) VCF-style: chr3-53764568-G-A.
Other names: c.2381G>A, p.Arg794Lys (NM_000720.4); c.2321G>A, p.Arg774Lys (NM_001128839.3); short protein forms R794K, R774K.
Identifiers: ClinVar variation 2992258 (VCV002992258.3), dbSNP rs2473768613, ClinGen allele CA353240602.